The following is an entry in ClinVar:

NM_172364.5(CACNA2D4):c.3275G>A (p.Arg1092Gln)

Gene: CACNA2D4 (calcium voltage-gated channel auxiliary subunit alpha2delta 4; minus strand). Cytogenetic location: 12p13.33.
Variant type: single nucleotide variant.
Coding change: c.3275G>A on transcript NM_172364.5 (MANE Select); coding-DNA position 3275, G replaced by A.
Protein change: p.Arg1092Gln; replaces arginine 1092 with glutamine.
Molecular consequence: missense variant.
Genome position (GRCh38, 1-based): chr12:1,795,333, C>T on the plus strand (G>A on the coding strand, the complement: CACNA2D4 is on the minus strand). VCF-style: chr12-1795333-C-T. GRCh37 (hg19) VCF-style: chr12-1904499-C-T.
Other names: short protein forms R1092Q.
Identifiers: ClinVar variation 1966360 (VCV001966360.5), dbSNP rs768659838, ClinGen allele CA6385997.

ClinVar aggregate classification (germline): Uncertain significance (1 of 4 stars; one submission).

gnomAD v4.1: 4 of 1,612,834 alleles (0.00025%); highest among the groups gnomAD compares: South Asian, 0.0022%; no homozygotes.

Submission:

Labcorp Genetics (formerly Invitae), Labcorp
Classification: Uncertain significance. Last evaluated: 2022-06-13. Review status: criteria provided, single submitter. Criteria: Invitae Variant Classification Sherloc (09022015). Collection method: clinical testing. Allele origin: germline.
Comment: This sequence change replaces arginine, which is basic and polar, with glutamine, which is neutral and polar, at codon 1092 of the CACNA2D4 protein (p.Arg1092Gln). This variant is present in population databases (rs768659838, gnomAD 0.003%). This variant has not been reported in the literature in individuals affected with CACNA2D4-related conditions. Algorithms developed to predict the effect of missense changes on protein structure and function output the following: SIFT: "Deleterious"; PolyPhen-2: "Benign"; Align-GVGD: "Class C0". The glutamine amino acid residue is found in multiple mammalian species, which suggests that this missense change does not adversely affect protein function. In summary, the available evidence is currently insufficient to determine the role of this variant in disease. Therefore, it has been classified as a Variant of Uncertain Significance.